The following is an entry in ClinVar:

NM_001042492.3(NF1):c.5812+6_5812+9del

Gene: NF1 (neurofibromin 1; plus strand). Cytogenetic location: 17q11.2.
Variant type: Deletion.
Coding change: c.5812+6_5812+9del on transcript NM_001042492.3 (MANE Select); bases 6 to 9 of the intron after coding-DNA position 5812, 4 bases deleted (TAAT; older notation c.5812+6_5812+9delTAAT).
Molecular consequence: intron variant.
Genome position (GRCh38, 1-based): chr17:31,330,504-31,330,507, TAAT deleted. VCF-style (leftmost placement, unchanged base first): chr17-31330503-GTAAT-G. GRCh37 (hg19) VCF-style: chr17-29657521-GTAAT-G.
Other names: c.5749+6_5749+9del (NM_000267.4).
Identifiers: ClinVar variation 3659207 (VCV003659207.2).
Genomic context (GRCh38, chr17:31,330,503, plus strand): 5'-GCCACACCTCACGTTAGAATTTTTGGAAGAGTGTATTTCTGGATTTAGCAAATCTAGTAA[GTAAT>G]GATAATTTTCTTTAATACTAACAATTATTCTAAGAGAATTCAAAGAAAACCCTTTCATTT-3'

ClinVar aggregate classification (germline): Likely pathogenic (1 of 4 stars; one submission).

Conditions:
Neurofibromatosis, type 1 (NF1). Also called: Peripheral type neurofibromatosis; VON RECKLINGHAUSEN DISEASE; NEUROFIBROMATOSIS, TYPE I, SOMATIC; Neurofibromatosis, type I. Identifiers: Orphanet 636, MedGen C0027831, MONDO:0018975, OMIM 162200. Disease mechanism: loss of function.

Submission:

Labcorp Genetics (formerly Invitae), Labcorp
Classification: Likely pathogenic for Neurofibromatosis, type 1. Last evaluated: 2026-01-05. Review status: criteria provided, single submitter. Criteria: Invitae Variant Classification Sherloc (09022015). Collection method: clinical testing. Allele origin: germline.
Comment: This sequence change falls in intron 38 of the NF1 gene. It does not directly change the encoded amino acid sequence of the NF1 protein. RNA analysis indicates that this variant induces altered splicing and may result in an absent or altered protein product. This variant is not present in population databases (gnomAD no frequency). This variant has been observed in individual(s) with clinical features of neurofibromatosis type I (internal data). ClinVar contains an entry for this variant (Variation ID: 3659207). Variants that disrupt the consensus splice site are a relatively common cause of aberrant splicing (PMID: 17576681, 9536098). Studies have shown that this variant results in skipping of exon 38, and produces a non-functional protein and/or introduces a premature termination codon (internal data). In summary, the currently available evidence indicates that the variant is pathogenic, but additional data are needed to prove that conclusively. Therefore, this variant has been classified as Likely Pathogenic.

Literature cited by the submitters: PubMed 17576681; PubMed 9536098.